The following is an entry in ClinVar:

NM_001364905.1(LRBA):c.8431G>T (p.Ala2811Ser)

Gene: LRBA (LPS responsive beige-like anchor protein; minus strand). Cytogenetic location: 4q31.3.
Variant type: single nucleotide variant.
Coding change: c.8431G>T on transcript NM_001364905.1 (MANE Select); coding-DNA position 8431, G replaced by T.
Protein change: p.Ala2811Ser; replaces alanine 2811 with serine.
Molecular consequence: missense variant.
Genome position (GRCh38, 1-based): chr4:150,277,890, C>A on the plus strand (G>T on the coding strand, the complement: LRBA is on the minus strand). VCF-style: chr4-150277890-C-A. GRCh37 (hg19) VCF-style: chr4-151199042-C-A.
Other names: c.8428G>T, p.Ala2810Ser (NM_001199282.3); c.8446G>T, p.Ala2816Ser (NM_001367550.1); c.8464G>T, p.Ala2822Ser (NM_006726.5); short protein forms A2811S, A2816S, A2822S, A2810S.
Identifiers: ClinVar variation 1411588 (VCV001411588.7), dbSNP rs781586380, ClinGen allele CA107808697.

ClinVar aggregate classification (germline): Uncertain significance. Review status: criteria provided, multiple submitters, no conflicts (2 of 4 stars). 3 submissions from 3 submitters: Uncertain significance (3). Last evaluated 2024-09-20.

Conditions:
Combined immunodeficiency due to LRBA deficiency. Also called: Common variable immunodeficiency 8, with autoimmunity. Identifiers: Orphanet 445018, MedGen C3553512, MONDO:0013863, OMIM 614700.

gnomAD v4.1: 26 of 1,614,096 alleles (0.0016%); highest among the groups gnomAD compares: Middle Eastern, 0.13%; no homozygotes.

Submissions (3):

Blueprint Genetics
Classification: Uncertain significance. Last evaluated: 2024-09-20. Review status: criteria provided, single submitter. Criteria: ACMG Guidelines, 2015. Collection method: clinical testing. Allele origin: germline.

Revvity Omics, Revvity
Classification: Uncertain significance for Combined immunodeficiency due to LRBA deficiency. Last evaluated: 2024-05-13. Review status: criteria provided, single submitter. Criteria: ACMG Guidelines, 2015. Collection method: clinical testing. Allele origin: germline.

Labcorp Genetics (formerly Invitae), Labcorp
Classification: Uncertain significance for Combined immunodeficiency due to LRBA deficiency. Last evaluated: 2024-01-02. Review status: criteria provided, single submitter. Criteria: Invitae Variant Classification Sherloc (09022015). Collection method: clinical testing. Allele origin: germline.
Comment: This sequence change replaces alanine, which is neutral and non-polar, with serine, which is neutral and polar, at codon 2822 of the LRBA protein (p.Ala2822Ser). This variant is present in population databases (no rsID available, gnomAD 0.003%). This variant has not been reported in the literature in individuals affected with LRBA-related conditions. ClinVar contains an entry for this variant (Variation ID: 1411588). Advanced modeling of protein sequence and biophysical properties (such as structural, functional, and spatial information, amino acid conservation, physicochemical variation, residue mobility, and thermodynamic stability) performed at Invitae indicates that this missense variant is not expected to disrupt LRBA protein function with a negative predictive value of 80%. In summary, the available evidence is currently insufficient to determine the role of this variant in disease. Therefore, it has been classified as a Variant of Uncertain Significance.